The following is an entry in ClinVar:

ClinVar aggregate classification (germline): Pathogenic (1 of 4 stars; one submission).

Conditions:
Neurofibromatosis, type 1 (NF1). Also called: Peripheral type neurofibromatosis; VON RECKLINGHAUSEN DISEASE; Neurofibromatosis, type I; NEUROFIBROMATOSIS, TYPE I, SOMATIC. Identifiers: Orphanet 636, MedGen C0027831, MONDO:0018975, OMIM 162200. Disease mechanism: loss of function.

Submission:

Labcorp Genetics (formerly Invitae), Labcorp
Classification: Pathogenic for Neurofibromatosis, type 1. Last evaluated: 2022-09-01. Review status: criteria provided, single submitter. Criteria: Invitae Variant Classification Sherloc (09022015). Collection method: clinical testing. Allele origin: germline.
Comment: This variant has not been reported in the literature in individuals affected with NF1-related conditions. For these reasons, this variant has been classified as Pathogenic. ClinVar contains an entry for this variant (Variation ID: 569716). This variant is not present in population databases (gnomAD no frequency). This sequence change creates a premature translational stop signal (p.Lys874Asnfs*29) in the NF1 gene. It is expected to result in an absent or disrupted protein product. Loss-of-function variants in NF1 are known to be pathogenic (PMID: 10712197, 23913538).

Literature cited by the submitters: PubMed 10712197; PubMed 23913538.

NM_001042492.3(NF1):c.2622_2629del (p.Lys874fs)

Gene: NF1 (neurofibromin 1; plus strand). Cytogenetic location: 17q11.2.
Variant type: Deletion.
Coding change: c.2622_2629del on transcript NM_001042492.3 (MANE Select); coding-DNA positions 2622 to 2629, 8 bases deleted (GGGTTCTA; older notation c.2622_2629delGGGTTCTA).
Protein change: p.Lys874fs; shifts the reading frame from lysine 874.
Molecular consequence: frameshift variant.
Genome position (GRCh38, 1-based): chr17:31,229,237-31,229,244, GGGTTCTA deleted; deleting any 8 consecutive bases within chr17:31,229,236-31,229,244 gives the same sequence; the c. name uses the placement nearest the transcript's 3' end. VCF-style (leftmost placement, unchanged base first): chr17-31229235-AAGGGTTCT-A. GRCh37 (hg19) VCF-style: chr17-29556253-AAGGGTTCT-A.
Other names: c.2622_2629delGGGTTCTA, p.Lys874Asnfs (NM_000267.4); short protein forms K874fs.
Identifiers: ClinVar variation 569716 (VCV000569716.5), dbSNP rs1567848976, ClinGen allele CA891844374.